The following is an entry in ClinVar:

NM_001035.3(RYR2):c.14844T>C (p.Cys4948=)

Gene: RYR2 (ryanodine receptor 2; plus strand). Cytogenetic location: 1q43.
Variant type: single nucleotide variant.
Coding change: c.14844T>C on transcript NM_001035.3 (MANE Select); coding-DNA position 14844, T replaced by C.
Protein change: p.Cys4948=; no amino-acid change (cysteine 4948 retained).
Molecular consequence: synonymous variant.
Genome position (GRCh38, 1-based): chr1:237,832,587, T>C. VCF-style: chr1-237832587-T-C. GRCh37 (hg19) VCF-style: chr1-237995887-T-C.
Other names: c.14844T>C, p.Cys4948= (LRG_402t1).
Identifiers: ClinVar variation 238224 (VCV000238224.13), dbSNP rs540984275, ClinGen allele CA085783.
Genomic context (GRCh38, chr1:237,832,587, plus strand): 5'-TAATACATTTCCTTGACTTTTGCAGGAATCTTATGTCTGGAAGATGTATCAAGAAAGGTG[T>C]TGGGAATTTTTCCCAGCAGGGGATTGCTTCCGGAAACAGTATGAAGACCAGCTAAATTAA-3'
Protein context (NP_001026.2, residues 4938-4958): SYVWKMYQER[Cys4948=]WEFFPAGDCF

ClinVar aggregate classification (germline): Likely benign. Review status: criteria provided, multiple submitters, no conflicts (2 of 4 stars). 4 submissions from 4 submitters: Likely benign (4). Last evaluated 2026-01-14.

Conditions:
Cardiovascular phenotype. Identifiers: MedGen CN230736.
Cardiomyopathy (CMYO). Also called: Cardiomyopathies. Identifiers: Orphanet 167848, MedGen C0878544, MONDO:0004994, HP:0001638. Inheritance: Various modes of inheritance.
Catecholaminergic polymorphic ventricular tachycardia (CVPT). Also called: Catecholamine-induced polymorphic ventricular tachycardia. Identifiers: Orphanet 3286, MedGen C5574922, MONDO:0017990.
Catecholaminergic polymorphic ventricular tachycardia 1. Also called: VENTRICULAR TACHYCARDIA, CATECHOLAMINERGIC POLYMORPHIC, 1, WITH OR WITHOUT ATRIAL DYSFUNCTION AND/OR DILATED CARDIOMYOPATHY; RYR2-Related Catecholaminergic Polymorphic Ventricular Tachycardia; VENTRICULAR TACHYCARDIA, STRESS-INDUCED POLYMORPHIC 1. Identifiers: Orphanet 3286, MedGen C1631597, MONDO:0011484, OMIM 604772.

Allele frequency attached by ClinVar (database versions not stated): ExAC 0.00001; gnomAD exomes 0.00001; gnomAD 0.00006 and 0.00007; TOPMed 0.00006; 1000 Genomes Project 30x 0.00016; 1000 Genomes Project 0.00020.
gnomAD v4.1: 33 of 1,612,850 alleles (0.002%); highest among the groups gnomAD compares: African/African-American, 0.036%; no homozygotes.

Submissions (4):

Labcorp Genetics (formerly Invitae), Labcorp
Classification: Likely benign for Catecholaminergic polymorphic ventricular tachycardia 1. Last evaluated: 2026-01-14. Review status: criteria provided, single submitter. Criteria: Invitae Variant Classification Sherloc (09022015). Collection method: clinical testing. Allele origin: germline.

All of Us Research Program, National Institutes of Health
Classification: Likely benign for Catecholaminergic polymorphic ventricular tachycardia. Last evaluated: 2023-05-16. Review status: criteria provided, single submitter. Criteria: ACMG Guidelines, 2015. Collection method: clinical testing. Allele origin: germline. Inheritance: Autosomal dominant inheritance. Observed: 1 variant allele, 1 heterozygote.
Comment: This study involves interpretation of variants in research participants for the purpose of population health screening. Participant phenotype was not available at the time of variant classification. Additional details can be found in publication PMID: 35346344, PMCID: PMC8962531

Color Diagnostics, LLC DBA Color Health
Classification: Likely benign for Cardiomyopathy. Last evaluated: 2023-05-10. Review status: criteria provided, single submitter. Criteria: ACMG Guidelines, 2015. Collection method: clinical testing. Allele origin: germline.

Ambry Genetics
Classification: Likely benign for Cardiovascular phenotype. Last evaluated: 2020-11-05. Review status: criteria provided, single submitter. Criteria: Ambry Variant Classification Scheme 2023. Collection method: clinical testing. Allele origin: germline.